The following is an entry in ClinVar:

ClinVar aggregate classification (germline): Likely benign. Review status: criteria provided, single submitter (1 of 4 stars). 2 submissions from 2 submitters: Likely benign (1). 1 of the submissions does not count toward it. Last evaluated 2026-02-04.

Conditions:
EMP2-related disorder. Also called: EMP2-related condition.

gnomAD v4.1: 61 of 1,531,938 alleles (0.004%); highest among the groups gnomAD compares: Non-Finnish European, 0.0046%; no homozygotes.

Submissions (2):

Labcorp Genetics (formerly Invitae), Labcorp
Classification: Likely benign. Last evaluated: 2026-02-04. Review status: criteria provided, single submitter. Criteria: Invitae Variant Classification Sherloc (09022015). Collection method: clinical testing. Allele origin: germline.

PreventionGenetics, part of Exact Sciences
Classification: Likely benign for EMP2-related condition. Last evaluated: 2024-03-25. Review status: no assertion criteria provided. Collection method: clinical testing. Allele origin: germline. Not counted in ClinVar's aggregate classification.
Comment: This variant is classified as likely benign based on ACMG/AMP sequence variant interpretation guidelines (Richards et al. 2015 PMID: 25741868, with internal and published modifications).

NM_001424.6(EMP2):c.501A>G (p.Lys167=)

Gene: EMP2 (epithelial membrane protein 2; minus strand). Cytogenetic location: 16p13.13.
Variant type: single nucleotide variant.
Coding change: c.501A>G on transcript NM_001424.6 (MANE Select); coding-DNA position 501, A replaced by G.
Protein change: p.Lys167=; no amino-acid change (lysine 167 retained).
Molecular consequence: synonymous variant.
Genome position (GRCh38, 1-based): chr16:10,532,908, T>C on the plus strand (A>G on the coding strand, the complement: EMP2 is on the minus strand). VCF-style: chr16-10532908-T-C. GRCh37 (hg19) VCF-style: chr16-10626765-T-C.
Identifiers: ClinVar variation 3350342 (VCV003350342.2).